The following is an entry in ClinVar:

NM_005477.3(HCN4):c.567A>C (p.Lys189Asn)

Gene: HCN4 (hyperpolarization activated cyclic nucleotide gated potassium channel 4; minus strand). Cytogenetic location: 15q24.1.
Variant type: single nucleotide variant.
Coding change: c.567A>C on transcript NM_005477.3 (MANE Select); coding-DNA position 567, A replaced by C.
Protein change: p.Lys189Asn; replaces lysine 189 with asparagine.
Molecular consequence: missense variant.
Genome position (GRCh38, 1-based): chr15:73,367,704, T>G on the plus strand (A>C on the coding strand, the complement: HCN4 is on the minus strand). VCF-style: chr15-73367704-T-G. GRCh37 (hg19) VCF-style: chr15-73660045-T-G.
Other names: short protein forms K189N.
Identifiers: ClinVar variation 1749000 (VCV001749000.2), dbSNP rs1567801651, ClinGen allele CA393097613.

ClinVar aggregate classification (germline): Uncertain significance (1 of 4 stars; one submission).

Conditions:
Cardiovascular phenotype. Identifiers: MedGen CN230736.

Submission:

Ambry Genetics
Classification: Uncertain significance for Cardiovascular phenotype. Last evaluated: 2021-06-14. Review status: criteria provided, single submitter. Criteria: Ambry Variant Classification Scheme 2023. Collection method: clinical testing. Allele origin: germline.
Comment: The p.K189N variant (also known as c.567A>C), located in coding exon 1 of the HCN4 gene, results from an A to C substitution at nucleotide position 567. The lysine at codon 189 is replaced by asparagine, an amino acid with similar properties. This amino acid position is conserved. In addition, the in silico prediction for this alteration is inconclusive. Since supporting evidence is limited at this time, the clinical significance of this alteration remains unclear.